The following is an entry in ClinVar:

ClinVar aggregate classification (germline): Likely pathogenic (1 of 4 stars; one submission).

Conditions:
MASS syndrome (OCTD). Also called: MASS PHENOTYPE; OVERLAP CONNECTIVE TISSUE DISEASE. Identifiers: MedGen C1858556, MONDO:0011431, OMIM 604308.

Allele frequency attached by ClinVar (database versions not stated): gnomAD exomes below 0.00001; ExAC 0.00001.
gnomAD v4.1: 2 of 1,614,204 alleles (0.00012%); highest among the groups gnomAD compares: Non-Finnish European, 0.00017%; no homozygotes.

Submission:

Institute of Human Genetics, University Medical Center Hamburg-Eppendorf
Classification: Likely pathogenic for MASS syndrome. Last evaluated: 2021-04-16. Review status: criteria provided, single submitter. Criteria: ACMG Guidelines, 2015. Collection method: clinical testing. Allele origin: maternal. Affected: yes. Observed: 2 variant alleles.
Comment: First report of a MASS phenotype associated with COL2A1 variants.

NM_001844.5(COL2A1):c.3936G>T (p.Lys1312Asn)

Gene: COL2A1 (collagen type II alpha 1 chain; minus strand). Cytogenetic location: 12q13.11.
Variant type: single nucleotide variant.
Coding change: c.3936G>T on transcript NM_001844.5 (MANE Select); coding-DNA position 3936, G replaced by T.
Protein change: p.Lys1312Asn; replaces lysine 1312 with asparagine.
Molecular consequence: missense variant.
Genome position (GRCh38, 1-based): chr12:47,974,813, C>A on the plus strand (G>T on the coding strand, the complement: COL2A1 is on the minus strand). VCF-style: chr12-47974813-C-A. GRCh37 (hg19) VCF-style: chr12-48368596-C-A.
Other names: c.3729G>T, p.Lys1243Asn (NM_033150.3); short protein forms K1243N, K1312N.
Identifiers: ClinVar variation 1064731 (VCV001064731.2), dbSNP rs745788222, ClinGen allele CA6534595.